The following is an entry in ClinVar:

ClinVar aggregate classification (germline): Pathogenic (1 of 4 stars; one submission).

Conditions:
Marfan syndrome (MFS). Also called: MARFAN SYNDROME, TYPE I; Marfan syndrome type 1; Marfan's syndrome; FBN1-Related Marfan Syndrome; Marfan syndrome, classic. Identifiers: Orphanet 284963, Orphanet 558, MedGen C0024796, MONDO:0007947, OMIM 154700.

Submission:

Centro de Genética y Biología Molecular, Universidad de San Martín de Porres
Classification: Pathogenic for Marfan syndrome. Last evaluated: 2025-01-20. Review status: criteria provided, single submitter. Criteria: ACMG Guidelines, 2015. Collection method: research. Allele origin: germline. Inheritance: Autosomal dominant inheritance. Affected: yes. Observed: 1 heterozygote.
Comment: Variant changes a Tyr to a stop codon in the last exon of the FBN1 protein. (Tyr2853Ter). It can be considered pathogenic because it falls into a highly conserved position and it can create a destabilising structure at the end of the protein.

NM_000138.5(FBN1):c.8559C>A (p.Tyr2853Ter)

Gene: FBN1 (fibrillin 1; minus strand). Cytogenetic location: 15q21.1.
Variant type: single nucleotide variant.
Coding change: c.8559C>A on transcript NM_000138.5 (MANE Select); coding-DNA position 8559, C replaced by A.
Protein change: p.Tyr2853Ter; replaces tyrosine 2853 with a stop codon.
Molecular consequence: nonsense.
Genome position (GRCh38, 1-based): chr15:48,411,047, G>T on the plus strand (C>A on the coding strand, the complement: FBN1 is on the minus strand). VCF-style: chr15-48411047-G-T. GRCh37 (hg19) VCF-style: chr15-48703244-G-T.
Other names: c.8559C>A, p.Tyr2853Ter (NM_001406716.1); short protein forms Y2853*.
Identifiers: ClinVar variation 4077165 (VCV004077165.1).